The following is an entry in ClinVar:

ClinVar aggregate classification (germline): Uncertain significance. Review status: criteria provided, multiple submitters, no conflicts (2 of 4 stars). 3 submissions from 3 submitters: Uncertain significance (3). Last evaluated 2025-08-13.

Conditions:
Autosomal dominant nonsyndromic hearing loss 27. Also called: Deafness, autosomal dominant 27. Identifiers: Orphanet 90635, MedGen C3887929, MONDO:0012902, OMIM 612431.
Wilms tumor 6 (WT6). Also called: WILMS TUMOR 6, SUSCEPTIBILITY TO. Identifiers: Orphanet 654, MedGen C3891301, MONDO:0014779, OMIM 616806.
Fibromatosis, gingival, 5. Also called: FIBROMATOSIS, GINGIVAL, HEREDITARY, 5. Identifiers: MedGen C4539942, MONDO:0033493, OMIM 617626.
Inborn genetic diseases. Identifiers: MedGen C0950123, MeSH D030342.

Allele frequency attached by ClinVar (database versions not stated): gnomAD exomes 0.00015 and 0.00005; gnomAD 0.00010 and 0.00011; ExAC 0.00005; TOPMed 0.00009; ESP Exome Variant Server 0.00015.
gnomAD v4.1: 247 of 1,614,086 alleles (0.015%); highest among the groups gnomAD compares: Non-Finnish European, 0.018%; 1 homozygote.

Submissions (3):

Ambry Genetics
Classification: Uncertain significance for Inborn genetic diseases. Last evaluated: 2025-08-13. Review status: criteria provided, single submitter. Criteria: Ambry Variant Classification Scheme 2023. Collection method: clinical testing. Allele origin: germline.

Labcorp Genetics (formerly Invitae), Labcorp
Classification: Uncertain significance. Last evaluated: 2024-11-19. Review status: criteria provided, single submitter. Criteria: Invitae Variant Classification Sherloc (09022015). Collection method: clinical testing. Allele origin: germline.
Comment: This sequence change replaces glycine, which is neutral and non-polar, with aspartic acid, which is acidic and polar, at codon 101 of the REST protein (p.Gly101Asp). This variant is present in population databases (rs150412877, gnomAD 0.009%). This variant has not been reported in the literature in individuals affected with REST-related conditions. ClinVar contains an entry for this variant (Variation ID: 848158). An algorithm developed to predict the effect of missense changes on protein structure and function (PolyPhen-2) suggests that this variant is likely to be disruptive. In summary, the available evidence is currently insufficient to determine the role of this variant in disease. Therefore, it has been classified as a Variant of Uncertain Significance.

Fulgent Genetics
Classification: Uncertain significance for Autosomal dominant nonsyndromic hearing loss 27; Wilms tumor 6; Fibromatosis, gingival, 5. Last evaluated: 2024-05-22. Review status: criteria provided, single submitter. Criteria: ACMG Guidelines, 2015. Collection method: clinical testing. Allele origin: germline.

NM_005612.5(REST):c.302G>A (p.Gly101Asp)

Gene: REST (RE1 silencing transcription factor; plus strand). Cytogenetic location: 4q12.
Variant type: single nucleotide variant.
Coding change: c.302G>A on transcript NM_005612.5 (MANE Select); coding-DNA position 302, G replaced by A.
Protein change: p.Gly101Asp; replaces glycine 101 with aspartic acid.
Molecular consequence: missense variant.
Genome position (GRCh38, 1-based): chr4:56,910,940, G>A. VCF-style: chr4-56910940-G-A. GRCh37 (hg19) VCF-style: chr4-57777106-G-A.
Other names: c.302G>A, p.Gly101Asp (NM_001193508.2, NM_001363453.3); short protein forms G101D.
Identifiers: ClinVar variation 848158 (VCV000848158.10), dbSNP rs150412877, ClinGen allele CA2932075.